The following is an entry in ClinVar:

ClinVar aggregate classification (germline): Likely benign (1 of 4 stars; one submission).

Submission:

CeGaT Center for Human Genetics Tuebingen
Classification: Likely benign. Last evaluated: 2025-09-01. Review status: criteria provided, single submitter. Criteria: CeGaT Center For Human Genetics Tuebingen Variant Classification Criteria Version 2. Collection method: clinical testing. Allele origin: germline. Affected: yes. Observed: 1 variant allele.
Comment: HIRA: PM2:Supporting, BP4, BP7

NM_003325.4(HIRA):c.714G>A (p.Val238=)

Gene: HIRA (histone cell cycle regulator; minus strand). Cytogenetic location: 22q11.21.
Variant type: single nucleotide variant.
Coding change: c.714G>A on transcript NM_003325.4 (MANE Select); coding-DNA position 714, G replaced by A.
Protein change: p.Val238=; no amino-acid change (valine 238 retained).
Molecular consequence: synonymous variant.
Genome position (GRCh38, 1-based): chr22:19,394,450, C>T on the plus strand (G>A on the coding strand, the complement: HIRA is on the minus strand). VCF-style: chr22-19394450-C-T. GRCh37 (hg19) VCF-style: chr22-19381973-C-T.
Identifiers: ClinVar variation 4281170 (VCV004281170.7).